The following is an entry in ClinVar:

NM_002887.4(RARS1):c.479-201G>A

Gene: RARS1 (arginyl-tRNA synthetase 1; plus strand). Cytogenetic location: 5q34.
Variant type: single nucleotide variant.
Coding change: c.479-201G>A on transcript NM_002887.4 (MANE Select); 201 bases into the intron before coding-DNA position 479, G replaced by A.
Molecular consequence: intron variant.
Genome position (GRCh38, 1-based): chr5:168,494,349, G>A. VCF-style: chr5-168494349-G-A. GRCh37 (hg19) VCF-style: chr5-167921354-G-A.
Identifiers: ClinVar variation 674147 (VCV000674147.1), dbSNP rs61456455, ClinGen allele CA131934374.

ClinVar aggregate classification (germline): Benign (1 of 4 stars; one submission).

Allele frequency attached by ClinVar (database versions not stated): gnomAD exomes 0.00169; gnomAD 0.02392 and 0.02577; 1000 Genomes Project 0.02596; TOPMed 0.02683; 1000 Genomes Project 30x 0.02811.
gnomAD v4.1: 5,077 of 985,402 alleles (0.52%); highest among the groups gnomAD compares: African/African-American, 8.3%; 172 homozygotes.

Submission:

GeneDx
Classification: Benign. Last evaluated: 2018-06-19. Review status: criteria provided, single submitter. Criteria: GeneDx Variant Classification (06012015). Collection method: clinical testing. Allele origin: germline. Affected: yes.
Comment: This variant is considered likely benign or benign based on one or more of the following criteria: it is a conservative change, it occurs at a poorly conserved position in the protein, it is predicted to be benign by multiple in silico algorithms, and/or has population frequency not consistent with disease.